The following is an entry in ClinVar:

ClinVar aggregate classification (germline): Likely benign. Review status: criteria provided, multiple submitters, no conflicts (2 of 4 stars). 2 submissions from 2 submitters: Likely benign (2). Last evaluated 2018-01-13.

Conditions:
Cataract 6 multiple types. Also called: CATARACT, AGE-RELATED CORTICAL, 2; CATARACT 6, POSTERIOR POLAR; CATARACT 6, CONGENITAL TOTAL. Identifiers: Orphanet 91492, MedGen C1861825, MONDO:0007288, OMIM 116600.

Allele frequency attached by ClinVar (database versions not stated): gnomAD 0.00001; gnomAD exomes 0.00002 and 0.00006; TOPMed 0.00003; ExAC 0.00004.
gnomAD v4.1: 37 of 1,613,922 alleles (0.0023%); highest among the groups gnomAD compares: Middle Eastern, 0.033%; no homozygotes.

Submissions (2):

Illumina Laboratory Services, Illumina
Classification: Likely benign for Cataract 6 multiple types. Last evaluated: 2018-01-13. Review status: criteria provided, single submitter. Criteria: ICSL Variant Classification Criteria 13 December 2019. Collection method: clinical testing. Allele origin: germline.
Comment: This variant was observed in the ICSL laboratory as part of a predisposition screen in an ostensibly healthy population. It had not been previously curated by ICSL or reported in the Human Gene Mutation Database (HGMD: prior to June 1st, 2018), and was therefore a candidate for classification through an automated scoring system. Utilizing variant allele frequency, disease prevalence and penetrance estimates, and inheritance mode, an automated score was calculated to assess if this variant is too frequent to cause the disease. Based on the score and internal cut-off values, a variant classified as likely benign is not then subjected to further curation. The score for this variant resulted in a classification of likely benign for this disease.

Labcorp Genetics (formerly Invitae), Labcorp
Classification: Likely benign for Cataract 6 multiple types. Last evaluated: 2017-02-20. Review status: criteria provided, single submitter. Criteria: Invitae Variant Classification Sherloc (09022015). Collection method: clinical testing. Allele origin: germline.

NM_004431.5(EPHA2):c.2116-9C>T

Gene: EPHA2 (EPH receptor A2; minus strand). Cytogenetic location: 1p36.13.
Variant type: single nucleotide variant.
Coding change: c.2116-9C>T on transcript NM_004431.5 (MANE Select); 9 bases into the intron before coding-DNA position 2116, C replaced by T.
Molecular consequence: intron variant.
Genome position (GRCh38, 1-based): chr1:16,132,282, G>A on the plus strand (C>T on the coding strand, the complement: EPHA2 is on the minus strand). VCF-style: chr1-16132282-G-A. GRCh37 (hg19) VCF-style: chr1-16458777-G-A.
Other names: c.1954-9C>T (NM_001329090.2).
Identifiers: ClinVar variation 468224 (VCV000468224.11), dbSNP rs753038083, ClinGen allele CA624912.